The following is an entry in ClinVar:

ClinVar aggregate classification (germline): Uncertain significance (1 of 4 stars; one submission).

Allele frequency attached by ClinVar (database versions not stated): ExAC 0.00001; gnomAD 0.00001; gnomAD exomes 0.00001; TOPMed 0.00001.
gnomAD v4.1: 4 of 1,607,828 alleles (0.00025%); highest among the groups gnomAD compares: Non-Finnish European, 0.00034%; no homozygotes.

Submission:

Labcorp Genetics (formerly Invitae), Labcorp
Classification: Uncertain significance. Last evaluated: 2022-06-16. Review status: criteria provided, single submitter. Criteria: Invitae Variant Classification Sherloc (09022015). Collection method: clinical testing. Allele origin: germline.
Comment: In summary, the available evidence is currently insufficient to determine the role of this variant in disease. Therefore, it has been classified as a Variant of Uncertain Significance. Algorithms developed to predict the effect of sequence changes on RNA splicing suggest that this variant may disrupt the consensus splice site. Algorithms developed to predict the effect of missense changes on protein structure and function (SIFT, PolyPhen-2, Align-GVGD) all suggest that this variant is likely to be tolerated. This variant has not been reported in the literature in individuals affected with OBSL1-related conditions. This variant is present in population databases (rs772023501, gnomAD 0.0009%). This sequence change replaces glutamine, which is neutral and polar, with histidine, which is basic and polar, at codon 802 of the OBSL1 protein (p.Gln802His).

NM_015311.3(OBSL1):c.2406A>C (p.Gln802His)

Gene: OBSL1 (obscurin like cytoskeletal adaptor 1; minus strand). Cytogenetic location: 2q35.
Variant type: single nucleotide variant.
Coding change: c.2406A>C on transcript NM_015311.3 (MANE Select); coding-DNA position 2406, A replaced by C.
Protein change: p.Gln802His; replaces glutamine 802 with histidine.
Molecular consequence: missense variant.
Genome position (GRCh38, 1-based): chr2:219,565,243, T>G on the plus strand (A>C on the coding strand, the complement: OBSL1 is on the minus strand). VCF-style: chr2-219565243-T-G. GRCh37 (hg19) VCF-style: chr2-220429965-T-G.
Other names: c.2406A>C, p.Gln802His (NM_001173408.2, NM_001173431.2); short protein forms Q802H.
Identifiers: ClinVar variation 1963533 (VCV001963533.5), dbSNP rs772023501, ClinGen allele CA2131251.